The following is an entry in ClinVar:

NM_001321075.3(DLG4):c.643-1G>T

Gene: DLG4 (discs large MAGUK scaffold protein 4; minus strand). Cytogenetic location: 17p13.1.
Variant type: single nucleotide variant.
Coding change: c.643-1G>T on transcript NM_001321075.3 (MANE Select); the canonical splice acceptor site of the intron before coding-DNA position 643, G replaced by T.
Molecular consequence: splice acceptor variant.
Genome position (GRCh38, 1-based): chr17:7,203,048, C>A on the plus strand (G>T on the coding strand, the complement: DLG4 is on the minus strand). VCF-style: chr17-7203048-C-A. GRCh37 (hg19) VCF-style: chr17-7106367-C-A.
Other names: c.772-1G>T (NM_001365.5); c.634-1G>T (NM_001128827.4); c.562-1G>T (NM_001369566.3); c.463-1G>T (NM_001321077.3, NM_001321076.3); c.763-1G>T (NM_001321074.1).
Identifiers: ClinVar variation 1711086 (VCV001711086.1), dbSNP rs2508015311, ClinGen allele CA397718384.

ClinVar aggregate classification (germline): Likely pathogenic (1 of 4 stars; one submission).

Conditions:
Intellectual developmental disorder 62. Also called: MENTAL RETARDATION, AUTOSOMAL DOMINANT 62; INTELLECTUAL DEVELOPMENTAL DISORDER, AUTOSOMAL DOMINANT 62. Identifiers: MedGen C5394083, MONDO:0032919, OMIM 618793.

Submission:

Center for Human Genetics and Genomic Medicine, Uniklinik Rwth Aachen
Classification: Likely pathogenic for Intellectual developmental disorder 62. Last evaluated: 2022-10-19. Review status: criteria provided, single submitter. Criteria: ACMG Guidelines, 2015. Collection method: clinical testing. Allele origin: unknown. Inheritance: Autosomal dominant inheritance. Affected: yes. Observed: 1 heterozygote.
Comment: The variant detected is not listed in control collectives (gnomAD) and has not been described in the ClinVar database or in the literature to the best of our knowledge. It affects the canonical splice site and thus in all probability leads to altered splicing and thus to a loss of function of the corresponding protein. In the event of loss of function -Variants in a gene that matches the phenotype, in which "loss of function" changes represent a known pathomechanism, can be assumed to be of pathogenetic relevance with a high degree of probability. The variant is currently to be regarded as a "likely pathogenic variant" (ACMG criteria).